The following is an entry in ClinVar:

NM_002968.3(SALL1):c.548C>A (p.Thr183Lys)

Gene: SALL1 (spalt like transcription factor 1; minus strand). Cytogenetic location: 16q12.1.
Variant type: single nucleotide variant.
Coding change: c.548C>A on transcript NM_002968.3 (MANE Select); coding-DNA position 548, C replaced by A.
Protein change: p.Thr183Lys; replaces threonine 183 with lysine.
Molecular consequence: missense variant.
Genome position (GRCh38, 1-based): chr16:51,141,674, G>T on the plus strand (C>A on the coding strand, the complement: SALL1 is on the minus strand). VCF-style: chr16-51141674-G-T. GRCh37 (hg19) VCF-style: chr16-51175585-G-T.
Other names: c.257C>A, p.Thr86Lys (NM_001127892.2); short protein forms T183K, T86K.
Identifiers: ClinVar variation 654753 (VCV000654753.12), dbSNP rs1417997778, ClinGen allele CA395891578.

ClinVar aggregate classification (germline): Conflicting classifications of pathogenicity. Review status: criteria provided, conflicting classifications (1 of 4 stars). 3 submissions from 3 submitters: Uncertain significance (1); Likely benign (1). 1 of the submissions does not count toward it. Last evaluated 2025-04-24.

Conditions:
Townes syndrome (TBS). Also called: Townes-Brocks syndrome. Identifiers: Orphanet 857, MedGen C0265246, MeSH C536974, MONDO:0007142.
SALL1-related disorder. Also called: SALL1-related condition.
Townes-Brocks syndrome 1 (TBS1). Also called: DEAFNESS, SENSORINEURAL, WITH IMPERFORATE ANUS AND THUMB ANOMALIES; SALL1-Related Townes-Brocks Syndrome; REAR SYNDROME; RENAL-EAR-ANAL-RADIAL SYNDROME. Identifiers: Orphanet 857, MedGen C4551481, MONDO:0054581, OMIM 107480.

Allele frequency attached by ClinVar (database versions not stated): TOPMed 0.00002.
gnomAD v4.1: 14 of 1,613,614 alleles (0.00087%); highest among the groups gnomAD compares: Non-Finnish European, 0.001%; no homozygotes.

Submissions (3):

Labcorp Genetics (formerly Invitae), Labcorp
Classification: Likely benign for Townes syndrome. Last evaluated: 2025-04-24. Review status: criteria provided, single submitter. Criteria: Invitae Variant Classification Sherloc (09022015). Collection method: clinical testing. Allele origin: germline.

Fulgent Genetics
Classification: Uncertain significance for Townes-Brocks syndrome 1. Last evaluated: 2021-11-24. Review status: criteria provided, single submitter. Criteria: ACMG Guidelines, 2015. Collection method: clinical testing. Allele origin: unknown.

PreventionGenetics, part of Exact Sciences
Classification: Uncertain significance for SALL1-related condition. Last evaluated: 2024-02-15. Review status: no assertion criteria provided. Collection method: clinical testing. Allele origin: germline. Not counted in ClinVar's aggregate classification.
Comment: The SALL1 c.548C>A variant is predicted to result in the amino acid substitution p.Thr183Lys. To our knowledge, this variant has not been reported in the literature. This variant is reported in 0.00088% of alleles in individuals of European (Non-Finnish) descent in gnomAD. At this time, the clinical significance of this variant is uncertain due to the absence of conclusive functional and genetic evidence.